The following is an entry in ClinVar:

ClinVar aggregate classification (germline): Conflicting classifications of pathogenicity. Review status: criteria provided, conflicting classifications (1 of 4 stars). 2 submissions from 2 submitters: Uncertain significance (1); Likely benign (1). Last evaluated 2025-07-30.

Conditions:
Ehlers-Danlos syndrome, classic type, 1 (EDSCL1). Also called: EHLERS-DANLOS SYNDROME, GRAVIS TYPE; EHLERS-DANLOS SYNDROME, SEVERE CLASSIC TYPE; EDS I; Ehlers-Danlos Syndrome, Classic Type, COL5A1-Related; Ehlers-Danlos syndrome, type 1. Identifiers: MedGen C0268335, MONDO:0019567, OMIM 130000.
Ehlers-Danlos syndrome, classic type (cEDS). Identifiers: Orphanet 287, MedGen C4225429, MONDO:0007522.

Allele frequency attached by ClinVar (database versions not stated): gnomAD exomes 0.00003 and 0.00001; gnomAD 0.00003 and 0.00002; TOPMed 0.00003; ESP Exome Variant Server 0.00008; ExAC 0.00002.
gnomAD v4.1: 19 of 1,613,844 alleles (0.0012%); highest among the groups gnomAD compares: Admixed American, 0.0033%; no homozygotes.

Submissions (2):

Women's Health and Genetics/Laboratory Corporation of America, LabCorp
Classification: Uncertain significance. Last evaluated: 2025-07-30. Review status: criteria provided, single submitter. Criteria: LabCorp Variant Classification Summary - May 2015. Collection method: clinical testing. Allele origin: germline.
Comment: Variant summary: COL5A1 c.4508G>A (p.Arg1503His) results in a non-conservative amino acid change in the encoded protein sequence. Algorithms developed to predict the effect of missense changes on protein structure and function all suggest that this variant is likely to be disruptive. The variant allele was found at a frequency of 2.8e-05 in 251344 control chromosomes. The available data on variant occurrences in the general population are insufficient to allow any conclusion about variant significance. c.4508G>A has been observed in an infant affected by sudden unexplained death who carried multiple additional inherited and de novo variants in different genes (e.g. Shingu_2021). These report(s) do not provide unequivocal conclusions about association of the variant with Ehlers-Danlos syndrome, classic type, Ehlers-Danlos syndrome, classic type, 1. To our knowledge, no experimental evidence demonstrating an impact on protein function has been reported. The following publication has been ascertained in the context of this evaluation (PMID: 34728707). ClinVar contains an entry for this variant (Variation ID: 459696). Based on the evidence outlined above, the variant was classified as uncertain significance.

Labcorp Genetics (formerly Invitae), Labcorp
Classification: Likely benign for Ehlers-Danlos syndrome, classic type, 1. Last evaluated: 2024-06-22. Review status: criteria provided, single submitter. Criteria: Invitae Variant Classification Sherloc (09022015). Collection method: clinical testing. Allele origin: germline.

Literature cited by the submitters: PubMed 34728707 (cited by Women's Health and Genetics/Laboratory Corporation of America, LabCorp).

NM_000093.5(COL5A1):c.4508G>A (p.Arg1503His)

Genes: COL5A1 (collagen type V alpha 1 chain; plus strand), LOC101448202 (uncharacterized LOC101448202; minus strand). Cytogenetic location: 9q34.3.
Variant type: single nucleotide variant.
Coding change: c.4508G>A on transcript NM_000093.5 (MANE Select); coding-DNA position 4508, G replaced by A.
Protein change: p.Arg1503His; replaces arginine 1503 with histidine.
Molecular consequence: missense variant. On other transcripts: non-coding transcript variant (1).
Genome position (GRCh38, 1-based): chr9:134,820,177, G>A. VCF-style: chr9-134820177-G-A. GRCh37 (hg19) VCF-style: chr9-137712023-G-A.
Other names: c.4508G>A, p.Arg1503His (NM_001278074.1); short protein forms R1503H.
Identifiers: ClinVar variation 459696 (VCV000459696.13), dbSNP rs373653069, ClinGen allele CA5320324.
Genomic context (GRCh38, chr9:134,820,177, plus strand): 5'-GTCATCCAGGCCTGATCGGGCTCATCGGTCCTCCGGGTGAACAGGGTGAGAAGGGCGACC[G>A]TGGTCTCCCTGGCCCCCAGGGCTCCTCCGGTCCTAAGGGAGAACAGGTGCGTGAGATGGC-3'
Protein context (NP_000084.3, residues 1493-1513): PPGEQGEKGD[Arg1503His]GLPGPQGSSG